The following is an entry in ClinVar:

NM_004329.3(BMPR1A):c.67G>C (p.Gly23Arg)

Gene: BMPR1A (bone morphogenetic protein receptor type 1A; plus strand). Cytogenetic location: 10q23.2.
Variant type: single nucleotide variant.
Coding change: c.67G>C on transcript NM_004329.3 (MANE Select); coding-DNA position 67, G replaced by C.
Protein change: p.Gly23Arg; replaces glycine 23 with arginine.
Molecular consequence: missense variant. On other transcripts: 5 prime UTR variant (1), non-coding transcript variant (3), intron variant (4).
Genome position (GRCh38, 1-based): chr10:86,876,085, G>C. VCF-style: chr10-86876085-G-C. GRCh37 (hg19) VCF-style: chr10-88635842-G-C.
Other names: c.67G>C, p.Gly23Arg (NM_001406572.1, NM_001406573.1, NM_001406574.1 and 23 more transcripts); c.-13G>C (NM_001406588.1); c.-17-13977G>C (NM_001406584.1, NM_001406587.1, NM_001406585.1); c.-12-13982G>C (NM_001406586.1); short protein forms G23R.
Identifiers: ClinVar variation 3256737 (VCV003256737.1).

ClinVar aggregate classification (germline): Likely pathogenic (0 of 4 stars; one submission).

Conditions:
Polyposis syndrome, hereditary mixed, 2. Identifiers: Orphanet 157794, MedGen C1864730, MONDO:0012405, OMIM 610069.

Submission:

Solve-RD Consortium
Classification: Likely pathogenic for Polyposis syndrome, hereditary mixed, 2. Last evaluated: 2022-06-01. Review status: no assertion criteria provided. Collection method: provider interpretation. Allele origin: inherited. Affected: yes.
Comment: Variant confirmed as disease-causing by referring clinical team

Variant identified during reanalysis of unsolved cases by the Solve-RD project. The Solve-RD project has received funding from the European Union’s Horizon 2020 research and innovation programme under grant agreement No 779257.

Literature cited by the submitters: PubMed 39825153.